The following is an entry in ClinVar:

ClinVar aggregate classification (germline): Conflicting classifications of pathogenicity. Review status: criteria provided, conflicting classifications (1 of 4 stars). 5 submissions from 5 submitters: Likely pathogenic (2); Uncertain significance (2). 1 of the submissions does not count toward it. Last evaluated 2026-09-11.

Conditions:
Pendred syndrome (PDS). Also called: Pendred Syndrome (PDS); GOITER-DEAFNESS SYNDROME; HYPOTHYROIDISM, CONGENITAL, DUE TO DYSHORMONOGENESIS, 2B; THYROID DYSHORMONOGENESIS 2B; THYROID HORMONOGENESIS, GENETIC DEFECT IN, 2B; Pendred's syndrome. Identifiers: Orphanet 705, MedGen C0271829, MONDO:0010134, OMIM 274600.
SLC26A4-related disorder. Also called: SLC26A4-related condition; SLC26A4-related disorders.

Allele frequency attached by ClinVar (database versions not stated): TOPMed 0.00001; ExAC 0.00002; ESP Exome Variant Server 0.00008.
gnomAD v4.1: 10 of 1,612,724 alleles (0.00062%); highest among the groups gnomAD compares: Non-Finnish European, 0.00085%; no homozygotes.

Submissions (5):

PreventionGenetics, part of Exact Sciences
Classification: Uncertain significance for SLC26A4-related condition. Last evaluated: 2026-09-11. Review status: criteria provided, single submitter. Criteria: ACMG Guidelines, 2015. Collection method: clinical testing. Allele origin: germline.
Comment: The SLC26A4 c.1920G>C variant is predicted to result in the amino acid substitution p.Trp640Cys. To our knowledge, this variant has not been reported in the literature. This variant is reported in 0.0026% of alleles in individuals of European (Non-Finnish) descent in gnomAD. At this time, the clinical significance of this variant is uncertain due to the absence of conclusive functional and genetic evidence.

Blueprint Genetics
Classification: Likely pathogenic for SLC26A4-related disorders. Last evaluated: 2024-09-12. Review status: criteria provided, single submitter. Criteria: ACMG Guidelines, 2015. Collection method: clinical testing. Allele origin: germline. Affected: yes. Observed: 5 variant alleles.

GeneDx
Classification: Likely pathogenic. Last evaluated: 2024-04-03. Review status: criteria provided, single submitter. Criteria: GeneDx Variant Classification Process June 2021. Collection method: clinical testing. Allele origin: germline. Affected: yes.
Comment: Not observed at significant frequency in large population cohorts (gnomAD); In silico analysis supports that this missense variant has a deleterious effect on protein structure/function; Has not been previously published as pathogenic or benign to our knowledge

Laboratory for Molecular Medicine, Mass General Brigham Personalized Medicine
Classification: Uncertain significance. Last evaluated: 2017-06-12. Review status: criteria provided, single submitter. Criteria: LMM Criteria. Collection method: clinical testing. Allele origin: germline. Observed: 3 variant alleles.
Comment: Variant classified as Uncertain Significance - Favor Pathogenic. The variant has also been identified in 3/111444 Europe an chromosomes by the Genome Aggregation Database (gnomAD; dbSNP rs769086004); however, this frequency is not high enough to r ule out a pathogenic role. Computational prediction tools and conservation analy sis suggest that the variant may impact the protein, though this information is not predictive enough to determine pathogenicity. In summary, while there is som e suspicion for a pathogenic role, the clinical significance of this variant is uncertain. ACMG/AMP Criteria applied: PP3; PM2; PM3 (Richards 2015).

Natera, Inc.
Classification: Uncertain significance for Pendred syndrome. Last evaluated: 2019-11-11. Review status: no assertion criteria provided. Collection method: clinical testing. Allele origin: germline. Not counted in ClinVar's aggregate classification.

NM_000441.2(SLC26A4):c.1920G>C (p.Trp640Cys)

Gene: SLC26A4 (solute carrier family 26 member 4; plus strand). Cytogenetic location: 7q22.3.
Variant type: single nucleotide variant.
Coding change: c.1920G>C on transcript NM_000441.2 (MANE Select); coding-DNA position 1920, G replaced by C.
Protein change: p.Trp640Cys; replaces tryptophan 640 with cysteine.
Molecular consequence: missense variant.
Genome position (GRCh38, 1-based): chr7:107,701,943, G>C. VCF-style: chr7-107701943-G-C. GRCh37 (hg19) VCF-style: chr7-107342388-G-C.
Other names: short protein forms W640C.
Identifiers: ClinVar variation 504676 (VCV000504676.9), dbSNP rs368119540, ClinGen allele CA4432986.